The following is an entry in ClinVar:

NM_032444.4(SLX4):c.929G>A (p.Arg310Gln)

Gene: SLX4 (SLX4 structure-specific endonuclease subunit; minus strand). Cytogenetic location: 16p13.3.
Variant type: single nucleotide variant.
Coding change: c.929G>A on transcript NM_032444.4 (MANE Select); coding-DNA position 929, G replaced by A.
Protein change: p.Arg310Gln; replaces arginine 310 with glutamine.
Molecular consequence: missense variant.
Genome position (GRCh38, 1-based): chr16:3,602,139, C>T on the plus strand (G>A on the coding strand, the complement: SLX4 is on the minus strand). VCF-style: chr16-3602139-C-T. GRCh37 (hg19) VCF-style: chr16-3652140-C-T.
Other names: c.929G>A (LRG_503t1); short protein forms R310Q.
Identifiers: ClinVar variation 579152 (VCV000579152.10), dbSNP rs759447034, ClinGen allele CA7866707.

ClinVar aggregate classification (germline): Uncertain significance. Review status: criteria provided, multiple submitters, no conflicts (2 of 4 stars). 2 submissions from 2 submitters: Uncertain significance (2). Last evaluated 2022-08-22.

Conditions:
Fanconi anemia complementation group P. Also called: SLX4-Related Fanconi Anemia. Identifiers: Orphanet 84, MedGen C3469542, MONDO:0013499, OMIM 613951.
Fanconi anemia (FA). Also called: Fanconi's anemia. Identifiers: Orphanet 84, MedGen C0015625, MeSH D005199, MONDO:0019391.

Allele frequency attached by ClinVar (database versions not stated): gnomAD exomes 0.00001; TOPMed 0.00001; ExAC 0.00002; gnomAD 0.00003.
gnomAD v4.1: 36 of 1,613,978 alleles (0.0022%); highest among the groups gnomAD compares: African/African-American, 0.0053%; no homozygotes.

Submissions (2):

Labcorp Genetics (formerly Invitae), Labcorp
Classification: Uncertain significance for Fanconi anemia. Last evaluated: 2022-08-22. Review status: criteria provided, single submitter. Criteria: Invitae Variant Classification Sherloc (09022015). Collection method: clinical testing. Allele origin: germline.
Comment: In summary, the available evidence is currently insufficient to determine the role of this variant in disease. Therefore, it has been classified as a Variant of Uncertain Significance. Algorithms developed to predict the effect of missense changes on protein structure and function are either unavailable or do not agree on the potential impact of this missense change (SIFT: "Tolerated"; PolyPhen-2: "Probably Damaging"; Align-GVGD: "Class C0"). ClinVar contains an entry for this variant (Variation ID: 579152). This missense change has been observed in individual(s) with idiopathic aplastic anemia or breast cancer (PMID: 24763404, 30613976). This variant is present in population databases (rs759447034, gnomAD 0.01%). This sequence change replaces arginine, which is basic and polar, with glutamine, which is neutral and polar, at codon 310 of the SLX4 protein (p.Arg310Gln).

Fulgent Genetics
Classification: Uncertain significance for Fanconi anemia complementation group P. Last evaluated: 2021-07-30. Review status: criteria provided, single submitter. Criteria: ACMG Guidelines, 2015. Collection method: clinical testing. Allele origin: unknown.

Literature cited by the submitters: PubMed 24763404 (cited by Labcorp Genetics (formerly Invitae), Labcorp); PubMed 30613976 (cited by Labcorp Genetics (formerly Invitae), Labcorp).